The following is an entry in ClinVar:

ClinVar aggregate classification (germline): Likely pathogenic (0 of 4 stars; one submission).

Conditions:
DDX3X-related disorder. Also called: DDX3X-related condition.

Submission:

PreventionGenetics, part of Exact Sciences
Classification: Likely pathogenic for DDX3X-related condition. Last evaluated: 2024-08-26. Review status: no assertion criteria provided. Collection method: clinical testing. Allele origin: germline.
Comment: The DDX3X c.1021T>C variant is predicted to result in the amino acid substitution p.Cys341Arg. This variant has been reported as de novo in at least two female individuals affected with neurodevelopmental disorders (Supplementary Table 1 in McRae. 2017. PubMed ID: 28135719; Wang. 2018. PubMed ID: 30349862). This variant has not been reported in a large population database, indicating this variant is rare. Based on the available evidence, this variant is interpreted as likely pathogenic.

NM_001356.5(DDX3X):c.1021T>C (p.Cys341Arg)

Gene: DDX3X (DEAD-box helicase 3 X-linked; plus strand). Cytogenetic location: Xp11.4.
Variant type: single nucleotide variant.
Coding change: c.1021T>C on transcript NM_001356.5 (MANE Select); coding-DNA position 1021, T replaced by C.
Protein change: p.Cys341Arg; replaces cysteine 341 with arginine.
Molecular consequence: missense variant. On other transcripts: non-coding transcript variant (1).
Genome position (GRCh38, 1-based): chrX:41,344,395, T>C. VCF-style: chrX-41344395-T-C. GRCh37 (hg19) VCF-style: chrX-41203648-T-C.
Other names: c.1021T>C, p.Cys341Arg (NM_001193416.3); c.973T>C, p.Cys325Arg (NM_001193417.3); c.463T>C, p.Cys155Arg (NM_001363819.1); short protein forms C155R, C325R, C341R.
Identifiers: ClinVar variation 3344174 (VCV003344174.1).